The following is an entry in ClinVar:

ClinVar aggregate classification (germline): Uncertain significance. Review status: criteria provided, single submitter (1 of 4 stars). 2 submissions from 2 submitters: Uncertain significance (1). 1 of the submissions does not count toward it. Last evaluated 2024-06-06.

Allele frequency attached by ClinVar (database versions not stated): ExAC below 0.00001; gnomAD 0.00001; TOPMed 0.00001; gnomAD exomes 0.00002.
gnomAD v4.1: 34 of 1,554,524 alleles (0.0022%); highest among the groups gnomAD compares: Non-Finnish European, 0.0028%; no homozygotes.

Submissions (2):

Labcorp Genetics (formerly Invitae), Labcorp
Classification: Uncertain significance. Last evaluated: 2024-06-06. Review status: criteria provided, single submitter. Criteria: Invitae Variant Classification Sherloc (09022015). Collection method: clinical testing. Allele origin: germline.
Comment: This sequence change replaces proline, which is neutral and non-polar, with threonine, which is neutral and polar, at codon 1143 of the ERBB2 protein (p.Pro1143Thr). This variant is present in population databases (rs587778268, gnomAD 0.007%). This variant has not been reported in the literature in individuals affected with ERBB2-related conditions. ClinVar contains an entry for this variant (Variation ID: 134080). An algorithm developed to predict the effect of missense changes on protein structure and function (PolyPhen-2) suggests that this variant is likely to be tolerated. In summary, the available evidence is currently insufficient to determine the role of this variant in disease. Therefore, it has been classified as a Variant of Uncertain Significance.

ITMI
No classification provided. Condition: AllHighlyPenetrant. Last evaluated: 2013-09-19. Review status: no classification provided. Collection method: reference population. Allele origin: germline. Not counted in ClinVar's aggregate classification.
Comment: Please see associated publication for description of ethnicities

Literature cited by the submitters: PubMed 24728327 (cited by ITMI).

NM_004448.4(ERBB2):c.3427C>A (p.Pro1143Thr)

Gene: ERBB2 (erb-b2 receptor tyrosine kinase 2; plus strand). Cytogenetic location: 17q12.
Variant type: single nucleotide variant.
Coding change: c.3427C>A on transcript NM_004448.4 (MANE Select); coding-DNA position 3427, C replaced by A.
Protein change: p.Pro1143Thr; replaces proline 1143 with threonine.
Molecular consequence: missense variant. On other transcripts: 3 prime UTR variant (2), non-coding transcript variant (1).
Genome position (GRCh38, 1-based): chr17:39,727,703, C>A. VCF-style: chr17-39727703-C-A. GRCh37 (hg19) VCF-style: chr17-37883956-C-A.
Other names: c.3337C>A, p.Pro1113Thr (NM_001005862.3, NM_001382782.1, NM_001382783.1); c.3382C>A, p.Pro1128Thr (NM_001289936.2); c.*6C>A (NM_001289937.2, NM_001382803.1); c.3544C>A, p.Pro1182Thr (NM_001382784.1); c.3379C>A, p.Pro1127Thr (NM_001382795.1); c.3340C>A, p.Pro1114Thr (NM_001382796.1); c.3328C>A, p.Pro1110Thr (NM_001382797.1); c.3271C>A, p.Pro1091Thr (NM_001382798.1); and 16 more; short protein forms P1113T, P1143T, P1128T, P1057T, P1075T, P1081T, P1083T, P1091T.
Identifiers: ClinVar variation 134080 (VCV000134080.4), dbSNP rs587778268, ClinGen allele CA158649.